The following is an entry in ClinVar:

NM_000444.6(PHEX):c.2147_2147+3del

Genes: PHEX (phosphate regulating endopeptidase X-linked; plus strand), PTCHD1-AS (PTCHD1 and PHEX antisense RNA; minus strand). Cytogenetic location: Xp22.11.
Variant type: Deletion.
Coding change: c.2147_2147+3del on transcript NM_000444.6 (MANE Select); coding-DNA position 2147 through 3 bases into the intron after coding-DNA position 2147, 4 bases deleted (GGTA; older notation c.2147_2147+3delGGTA).
Molecular consequence: splice donor variant. On other transcripts: intron variant (1).
Genome position (GRCh38, 1-based): chrX:22,245,409-22,245,412, GGTA deleted; deleting any 4 consecutive bases within chrX:22,245,407-22,245,412 gives the same sequence; the c. name uses the placement nearest the transcript's 3' end. VCF-style (leftmost placement, unchanged base first): chrX-22245406-TTAGG-T. GRCh37 (hg19) VCF-style: chrX-22263523-TTAGG-T.
Other names: c.2071-2442_2071-2439del (NM_001282754.2).
Identifiers: ClinVar variation 1416508 (VCV001416508.6), dbSNP rs2147214168, ClinGen allele CA2573158550.

ClinVar aggregate classification (germline): Pathogenic (1 of 4 stars; one submission).

Submission:

Labcorp Genetics (formerly Invitae), Labcorp
Classification: Pathogenic. Last evaluated: 2021-05-10. Review status: criteria provided, single submitter. Criteria: Invitae Variant Classification Sherloc (09022015). Collection method: clinical testing. Allele origin: germline.
Comment: This sequence change affects a splice site in intron 21 of the PHEX gene. While this variant is not anticipated to result in nonsense mediated decay, it likely alters RNA splicing and results in a disrupted protein product. This variant is not present in population databases (ExAC no frequency). This variant has been observed in individual(s) with clinical features of X-linked hypophosphatemia (Invitae). Nucleotide substitutions within the consensus splice site are a relatively common cause of aberrant splicing (PMID: 17576681, 9536098). Algorithms developed to predict the effect of sequence changes on RNA splicing suggest that this variant may disrupt the consensus splice site, but this prediction has not been confirmed by published transcriptional studies. For these reasons, this variant has been classified as Pathogenic. This variant disrupts the p.Trp749 amino acid residue in PHEX. Other variant(s) that disrupt this residue have been determined to be pathogenic (PMID: 9768674, 29858904, Invitae). This suggests that this residue is clinically significant, and that variants that disrupt this residue are likely to be disease-causing.

Literature cited by the submitters: PubMed 17576681; PubMed 9536098; PubMed 9768674; PubMed 29858904.